The following is an entry in ClinVar:

NM_014415.4(ZBTB11):c.2446C>T (p.His816Tyr)

Gene: ZBTB11 (zinc finger and BTB domain containing 11; minus strand). Cytogenetic location: 3q12.3.
Variant type: single nucleotide variant.
Coding change: c.2446C>T on transcript NM_014415.4 (MANE Select); coding-DNA position 2446, C replaced by T.
Protein change: p.His816Tyr; replaces histidine 816 with tyrosine.
Molecular consequence: missense variant.
Genome position (GRCh38, 1-based): chr3:101,652,802, G>A on the plus strand (C>T on the coding strand, the complement: ZBTB11 is on the minus strand). VCF-style: chr3-101652802-G-A. GRCh37 (hg19) VCF-style: chr3-101371646-G-A.
Other names: short protein forms H816Y.
Identifiers: ClinVar variation 2507059 (VCV002507059.1), dbSNP rs1936727339, ClinGen allele CA353872301.

ClinVar aggregate classification (germline): Uncertain significance (1 of 4 stars; one submission).

Submission:

GeneDx
Classification: Uncertain significance. Last evaluated: 2022-12-29. Review status: criteria provided, single submitter. Criteria: GeneDx Variant Classification Process June 2021. Collection method: clinical testing. Allele origin: germline. Affected: yes.
Comment: Not observed at significant frequency in large population cohorts (gnomAD); In silico analysis supports that this missense variant has a deleterious effect on protein structure/function; Has not been previously published as pathogenic or benign to our knowledge